The following is an entry in ClinVar:

NM_004415.4(DSP):c.8066A>G (p.Lys2689Arg)

Gene: DSP (desmoplakin; plus strand). Cytogenetic location: 6p24.3.
Variant type: single nucleotide variant.
Coding change: c.8066A>G on transcript NM_004415.4 (MANE Select); coding-DNA position 8066, A replaced by G.
Protein change: p.Lys2689Arg; replaces lysine 2689 with arginine.
Molecular consequence: missense variant.
Genome position (GRCh38, 1-based): chr6:7,585,328, A>G. VCF-style: chr6-7585328-A-G. GRCh37 (hg19) VCF-style: chr6-7585561-A-G.
Other names: c.6269A>G, p.Lys2090Arg (NM_001008844.3); c.6737A>G, p.Lys2246Arg (NM_001319034.2); short protein forms K2090R, K2246R, K2689R.
Identifiers: ClinVar variation 4757503 (VCV004757503.1).

ClinVar aggregate classification (germline): Uncertain significance (1 of 4 stars; one submission).

Conditions:
Cardiomyopathy (CMYO). Also called: Cardiomyopathies. Identifiers: Orphanet 167848, MedGen C0878544, MONDO:0004994, HP:0001638. Inheritance: Various modes of inheritance.

Submission:

Color Diagnostics, LLC DBA Color Health
Classification: Uncertain significance for Cardiomyopathy. Last evaluated: 2025-07-14. Review status: criteria provided, single submitter. Criteria: ACMG Guidelines, 2015. Collection method: clinical testing. Allele origin: germline.
Comment: This missense variant replaces lysine with arginine at codon 2689 of the DSP protein. Computational prediction suggests that this variant may not impact protein structure and function. To our knowledge, functional studies have not been reported for this variant. This variant has not been reported in individuals affected with DSP-related disorders in the literature. This variant has not been identified in the general population by the Genome Aggregation Database (gnomAD). The available evidence is insufficient to determine the role of this variant in disease conclusively. Therefore, this variant is classified as a Variant of Uncertain Significance.